The following is an entry in ClinVar:

NM_033380.3(COL4A5):c.637G>T (p.Gly213Ter)

Gene: COL4A5 (collagen type IV alpha 5 chain; plus strand). Cytogenetic location: Xq22.3.
Variant type: single nucleotide variant.
Coding change: c.637G>T on transcript NM_033380.3 (MANE Select); coding-DNA position 637, G replaced by T.
Protein change: p.Gly213Ter; replaces glycine 213 with a stop codon.
Molecular consequence: nonsense.
Genome position (GRCh38, 1-based): chrX:108,577,979, G>T. VCF-style: chrX-108577979-G-T. GRCh37 (hg19) VCF-style: chrX-107821209-G-T.
Other names: c.637G>T, p.Gly213Ter (NM_000495.5); short protein forms G213*.
Identifiers: ClinVar variation 3632992 (VCV003632992.2).

ClinVar aggregate classification (germline): Pathogenic (1 of 4 stars; one submission).

Submission:

Labcorp Genetics (formerly Invitae), Labcorp
Classification: Pathogenic. Last evaluated: 2024-01-19. Review status: criteria provided, single submitter. Criteria: Invitae Variant Classification Sherloc (09022015). Collection method: clinical testing. Allele origin: germline.
Comment: This sequence change creates a premature translational stop signal (p.Gly213*) in the COL4A5 gene. It is expected to result in an absent or disrupted protein product. Loss-of-function variants in COL4A5 are known to be pathogenic (PMID: 9195222, 10752524, 14514738, 24854265, 26809805). This variant is not present in population databases (gnomAD no frequency). This variant has not been reported in the literature in individuals affected with COL4A5-related conditions. For these reasons, this variant has been classified as Pathogenic.

Literature cited by the submitters: PubMed 9195222; PubMed 10752524; PubMed 14514738; PubMed 24854265; PubMed 26809805.